The following is an entry in ClinVar:

NM_033028.5(BBS4):c.1449A>G (p.Ser483=)

Gene: BBS4 (Bardet-Biedl syndrome 4; plus strand). Cytogenetic location: 15q24.1.
Variant type: single nucleotide variant.
Coding change: c.1449A>G on transcript NM_033028.5 (MANE Select); coding-DNA position 1449, A replaced by G.
Protein change: p.Ser483=; no amino-acid change (serine 483 retained).
Molecular consequence: synonymous variant. On other transcripts: non-coding transcript variant (2).
Genome position (GRCh38, 1-based): chr15:72,736,962, A>G. VCF-style: chr15-72736962-A-G. GRCh37 (hg19) VCF-style: chr15-73029303-A-G.
Other names: c.933A>G, p.Ser311= (NM_001252678.2); c.1380A>G, p.Ser460= (NM_001320665.2).
Identifiers: ClinVar variation 4991182 (VCV004991182.1).
Genomic context (GRCh38, chr15:72,736,962, plus strand): 5'-CTCTAATCAAGCTCTAGGACAGGCAATGTCTTCAGCAGCTGCATACAGGACGCTCCCCTC[A>G]GGTAGGACCATACAGAGCTCCATGAAGACCTGGCAGGTACAAGCCACATGTGTCTGTCAG-3'
Protein context (NP_149017.2, residues 473-493): SSAAAYRTLP[Ser483=]GAGGTSQFTK

ClinVar aggregate classification (germline): Uncertain significance (1 of 4 stars; one submission).

Conditions:
BBS4-related disorder. Also called: BBS4-related condition.

Submission:

PreventionGenetics, part of Exact Sciences
Classification: Uncertain significance for BBS4-related condition. Last evaluated: 2025-08-31. Review status: criteria provided, single submitter. Criteria: ACMG Guidelines, 2015. Collection method: clinical testing. Allele origin: germline.
Comment: The BBS4 c.1449A>G variant is not predicted to result in an amino acid change (p.=). This variant is predicted to impact splicing based on a computational splicing prediction program; however, the impact of this variant has not been functionally validated (SpliceAI, Jaganathan et al. 2019. PubMed ID: 30661751). To our knowledge, this variant has not been reported in the literature or in a large population database (gnomAD), indicating this variant is rare. At this time, the clinical significance of this variant is uncertain due to the absence of conclusive functional and genetic evidence.